The following is an entry in ClinVar:

NM_025243.4(SLC19A3):c.364_378del (p.Ala122_Tyr126del)

Gene: SLC19A3 (solute carrier family 19 member 3; minus strand). Cytogenetic location: 2q36.3.
Variant type: Deletion.
Coding change: c.364_378del on transcript NM_025243.4 (MANE Select); coding-DNA positions 364 to 378, 15 bases deleted (GCCTACTACGCCTAC).
Protein change: p.Ala122_Tyr126del.
Genome position (GRCh38, 1-based): chr2:227,699,337-227,699,351, GTAGGCGTAGTAGGC deleted on the plus strand (GCCTACTACGCCTAC on the coding strand, the reverse complement: SLC19A3 is on the minus strand). VCF-style (leftmost placement, unchanged base first): chr2-227699336-TGTAGGCGTAGTAGGC-T. GRCh37 (hg19) VCF-style: chr2-228564052-TGTAGGCGTAGTAGGC-T.
Other names: c.352_366del, p.Ala118_Tyr122del (NM_001371414.1, NM_001371413.1); c.364_378del, p.Ala122_Tyr126del (NM_001371411.1, NM_001371412.1).
Identifiers: ClinVar variation 3696692 (VCV003696692.2).

ClinVar aggregate classification (germline): Uncertain significance (1 of 4 stars; one submission).

Conditions:
Biotin-responsive basal ganglia disease (BTBGD). Also called: Thiamine Transporter-2 Deficiency; THIAMINE METABOLISM DYSFUNCTION SYNDROME 2 (BIOTIN- AND THIAMINE-RESPONSIVE TYPE); Thiamine metabolism dysfunction syndrome type 2; Thiamine metabolism dysfunction syndrome 2 (biotin- or thiamine-responsive encephalopathy type 2); thiamine-responsive encephalopathy. Identifiers: Orphanet 199348, Orphanet 65284, MedGen C1843807, MONDO:0011841, OMIM 607483.

Submission:

Labcorp Genetics (formerly Invitae), Labcorp
Classification: Uncertain significance for Biotin-responsive basal ganglia disease. Last evaluated: 2024-12-07. Review status: criteria provided, single submitter. Criteria: Invitae Variant Classification Sherloc (09022015). Collection method: clinical testing. Allele origin: germline.
Comment: This variant, c.364_378del, results in the deletion of 5 amino acid(s) of the SLC19A3 protein (p.Ala122_Tyr126del), but otherwise preserves the integrity of the reading frame. This variant is not present in population databases (gnomAD no frequency). This variant has not been reported in the literature in individuals affected with SLC19A3-related conditions. Experimental studies and prediction algorithms are not available or were not evaluated, and the functional significance of this variant is currently unknown. In summary, the available evidence is currently insufficient to determine the role of this variant in disease. Therefore, it has been classified as a Variant of Uncertain Significance.